The following is an entry in ClinVar:

ClinVar aggregate classification (germline): Uncertain significance (1 of 4 stars; one submission).

Submission:

GeneDx
Classification: Uncertain significance. Last evaluated: 2024-05-14. Review status: criteria provided, single submitter. Criteria: GeneDx Variant Classification Process June 2021. Collection method: clinical testing. Allele origin: germline. Affected: yes.
Comment: Not observed at significant frequency in large population cohorts (gnomAD); In silico analysis supports that this missense variant has a deleterious effect on protein structure/function; Has not been previously published as pathogenic or benign to our knowledge

NM_001395002.1(MAP4K4):c.2338G>A (p.Glu780Lys)

Gene: MAP4K4 (mitogen-activated protein kinase kinase kinase kinase 4; plus strand). Cytogenetic location: 2q11.2.
Variant type: single nucleotide variant.
Coding change: c.2338G>A on transcript NM_001395002.1 (MANE Select); coding-DNA position 2338, G replaced by A.
Protein change: p.Glu780Lys; replaces glutamic acid 780 with lysine.
Molecular consequence: missense variant. On other transcripts: non-coding transcript variant (4).
Genome position (GRCh38, 1-based): chr2:101,866,561, G>A. VCF-style: chr2-101866561-G-A. GRCh37 (hg19) VCF-style: chr2-102483023-G-A.
Other names: c.2080G>A, p.Glu694Lys (NM_001384579.1, NM_001384491.1, NM_001384509.1); c.1849G>A, p.Glu617Lys (NM_004834.5); c.2014G>A, p.Glu672Lys (NM_145686.4, NM_145687.4); c.2104G>A, p.Glu702Lys (NM_001242559.2, NM_001384488.1); c.2083G>A, p.Glu695Lys (NM_001242560.2, NM_001384487.1); c.2173G>A, p.Glu725Lys (NM_001384476.1); c.2170G>A, p.Glu724Lys (NM_001384477.1, NM_001384508.1); c.1852G>A, p.Glu618Lys (NM_001384478.1, NM_001384482.1, NM_001384495.1); and 19 more; short protein forms E608K, E609K, E617K, E618K, E640K, E648K, E649K, E663K.
Identifiers: ClinVar variation 3378378 (VCV003378378.1).
Genomic context (GRCh38, chr2:101,866,561, plus strand): 5'-GGGTCCAGCAACTCAGGATCCCAGCCCGGGTCTCACCCTGGGTCTCAGAGTGGCTCCGGG[G>A]AACGCTTCAGAGTGAGATGTAAGCTGCCTTTCCTTTCCTTTTTCCCTGCTAATGTTTTGA-3'
Protein context (NP_001381931.1, residues 770-790): SHPGSQSGSG[Glu780Lys]RFRVRSSSKS